The following is an entry in ClinVar:

NM_001394062.1(MACF1):c.1571A>G (p.Lys524Arg)

Gene: MACF1 (microtubule actin crosslinking factor 1; plus strand). Cytogenetic location: 1p34.3.
Variant type: single nucleotide variant.
Coding change: c.1571A>G on transcript NM_001394062.1 (MANE Select); coding-DNA position 1571, A replaced by G.
Protein change: p.Lys524Arg; replaces lysine 524 with arginine.
Molecular consequence: missense variant.
Genome position (GRCh38, 1-based): chr1:39,287,348, A>G. VCF-style: chr1-39287348-A-G. GRCh37 (hg19) VCF-style: chr1-39753020-A-G.
Other names: c.1586A>G, p.Lys529Arg (NM_012090.5); short protein forms K524R, K529R.
Identifiers: ClinVar variation 3898904 (VCV003898904.1).
Genomic context (GRCh38, chr1:39,287,348, plus strand): 5'-TCATGCGTCTTCAGGATGAGCTGGTCACCTTGCGTCTAGAGTGTACAAACCTGTACCGGA[A>G]GGGTCATTTCACTTCACTTGAATTGGTTCCACCCTCTACTTTAACCACCACTCATCTGAA-3'
Protein context (NP_001380991.1, residues 514-534): LRLECTNLYR[Lys524Arg]GHFTSLELVP

ClinVar aggregate classification (germline): Uncertain significance (1 of 4 stars; one submission).

Submission:

GeneDx
Classification: Uncertain significance. Last evaluated: 2024-11-11. Review status: criteria provided, single submitter. Criteria: GeneDx Variant Classification Process June 2021. Collection method: clinical testing. Allele origin: germline. Affected: yes.
Comment: Not observed at significant frequency in large population cohorts (gnomAD); In silico analysis supports that this missense variant has a deleterious effect on protein structure/function; Has not been previously published as pathogenic or benign to our knowledge